The following is an entry in ClinVar:

ClinVar aggregate classification (germline): Uncertain significance (1 of 4 stars; one submission).

Allele frequency attached by ClinVar (database versions not stated): gnomAD exomes 0.00001; TOPMed 0.00001; ExAC 0.00001; gnomAD 0.00002.
gnomAD v4.1: 21 of 1,613,144 alleles (0.0013%); highest among the groups gnomAD compares: African/African-American, 0.004%; no homozygotes.

Submission:

Labcorp Genetics (formerly Invitae), Labcorp
Classification: Uncertain significance. Last evaluated: 2022-04-07. Review status: criteria provided, single submitter. Criteria: Invitae Variant Classification Sherloc (09022015). Collection method: clinical testing. Allele origin: germline.
Comment: This sequence change falls in intron 52 of the LRP2 gene. It does not directly change the encoded amino acid sequence of the LRP2 protein. It affects a nucleotide within the consensus splice site. This variant is present in population databases (rs764282560, gnomAD 0.008%). This variant has not been reported in the literature in individuals affected with LRP2-related conditions. Variants that disrupt the consensus splice site are a relatively common cause of aberrant splicing (PMID: 17576681, 9536098). Algorithms developed to predict the effect of sequence changes on RNA splicing suggest that this variant is not likely to affect RNA splicing. In summary, the available evidence is currently insufficient to determine the role of this variant in disease. Therefore, it has been classified as a Variant of Uncertain Significance.

Literature cited by the submitters: PubMed 17576681; PubMed 9536098.

NM_004525.3(LRP2):c.10169+4C>T

Gene: LRP2 (LDL receptor related protein 2; minus strand). Cytogenetic location: 2q31.1.
Variant type: single nucleotide variant.
Coding change: c.10169+4C>T on transcript NM_004525.3 (MANE Select); 4 bases into the intron after coding-DNA position 10169, C replaced by T.
Molecular consequence: intron variant.
Genome position (GRCh38, 1-based): chr2:169,181,444, G>A on the plus strand (C>T on the coding strand, the complement: LRP2 is on the minus strand). VCF-style: chr2-169181444-G-A. GRCh37 (hg19) VCF-style: chr2-170037954-G-A.
Identifiers: ClinVar variation 1509688 (VCV001509688.3), dbSNP rs764282560, ClinGen allele CA1953419.